The following is an entry in ClinVar:

NM_006516.4(SLC2A1):c.1075-16_1076del

Gene: SLC2A1 (solute carrier family 2 member 1; minus strand). Cytogenetic location: 1p34.2.
Variant type: Deletion.
Coding change: c.1075-16_1076del on transcript NM_006516.4 (MANE Select); 16 bases into the intron before coding-DNA position 1075 through coding-DNA position 1076, 18 bases deleted (CCGTCATCCTCAACAGGA).
Molecular consequence: splice acceptor variant.
Genome position (GRCh38, 1-based): chr1:42,927,807-42,927,824, TCCTGTTGAGGATGACGG deleted on the plus strand (CCGTCATCCTCAACAGGA on the coding strand, the reverse complement: SLC2A1 is on the minus strand). VCF-style (leftmost placement, unchanged base first): chr1-42927806-CTCCTGTTGAGGATGACGG-C. GRCh37 (hg19) VCF-style: chr1-43393477-CTCCTGTTGAGGATGACGG-C.
Identifiers: ClinVar variation 1068292 (VCV001068292.7), dbSNP rs2124446605, ClinGen allele CA2499214714.

ClinVar aggregate classification (germline): Likely pathogenic (1 of 4 stars; one submission).

Conditions:
GLUT1 deficiency syndrome 1, autosomal recessive. Identifiers: MedGen C3149117.

Submission:

Labcorp Genetics (formerly Invitae), Labcorp
Classification: Likely pathogenic for GLUT1 deficiency syndrome 1, autosomal recessive. Last evaluated: 2020-08-04. Review status: criteria provided, single submitter. Criteria: Invitae Variant Classification Sherloc (09022015). Collection method: clinical testing. Allele origin: germline.
Comment: In summary, the currently available evidence indicates that the variant is pathogenic, but additional data are needed to prove that conclusively. Therefore, this variant has been classified as Likely Pathogenic. Loss-of-function variants in SLC2A1 are known to be pathogenic (PMID: 21832227, 26193382). This variant has not been reported in the literature in individuals with SLC2A1-related conditions. This variant results in the deletion of part of exon 9 (c.1075-16_1076del) of the SLC2A1 gene. It is expected to disrupt RNA splicing and likely results in an absent or disrupted protein product. This variant is not present in population databases (ExAC no frequency).

Literature cited by the submitters: PubMed 21832227; PubMed 26193382.